The following is an entry in ClinVar:

ClinVar aggregate classification (germline): Pathogenic. Review status: criteria provided, single submitter (1 of 4 stars). 2 submissions from 2 submitters: Pathogenic (1). 1 of the submissions does not count toward it. Last evaluated 2024-02-19.

Conditions:
Sandhoff disease. Also called: GM2-GANGLIOSIDOSIS, TYPE II; HEXOSAMINIDASES A AND B DEFICIENCY; Beta-hexosaminidase-beta-subunit deficiency; GM2 gangliosidosis, type 2; Total hexosaminidase deficiency; Sandhoff-Jatzkewitz-Pilz disease. Identifiers: Orphanet 796, MedGen C0036161, MONDO:0010006, OMIM 268800.

Allele frequency attached by ClinVar (database versions not stated): gnomAD exomes below 0.00001.

Submissions (2):

Labcorp Genetics (formerly Invitae), Labcorp
Classification: Pathogenic for Sandhoff disease. Last evaluated: 2024-02-19. Review status: criteria provided, single submitter. Criteria: Invitae Variant Classification Sherloc (09022015). Collection method: clinical testing. Allele origin: germline.
Comment: This sequence change creates a premature translational stop signal (p.Arg531Leufs*2) in the HEXB gene. While this is not anticipated to result in nonsense mediated decay, it is expected to disrupt the last 26 amino acid(s) of the HEXB protein. This variant is not present in population databases (gnomAD no frequency). This variant has not been reported in the literature in individuals affected with HEXB-related conditions. ClinVar contains an entry for this variant (Variation ID: 557927). This variant disrupts a region of the HEXB protein in which other variant(s) (p.Cys534*) have been determined to be pathogenic (PMID: 29448188, 30075786). This suggests that this is a clinically significant region of the protein, and that variants that disrupt it are likely to be disease-causing. For these reasons, this variant has been classified as Pathogenic.

Counsyl
Classification: Likely pathogenic for Sandhoff disease. Last evaluated: 2018-04-17. Review status: no assertion criteria provided. Collection method: clinical testing. Allele origin: unknown. Not counted in ClinVar's aggregate classification.

Literature cited by the submitters: PubMed 29448188 (cited by Labcorp Genetics (formerly Invitae), Labcorp); PubMed 30075786 (cited by Labcorp Genetics (formerly Invitae), Labcorp).

NM_000521.4(HEXB):c.1575_1590dup (p.Arg531delinsLeuTer)

Gene: HEXB (hexosaminidase subunit beta; plus strand). Cytogenetic location: 5q13.3.
Variant type: Duplication.
Coding change: c.1575_1590dup on transcript NM_000521.4 (MANE Select); coding-DNA positions 1575 to 1590, 16 bases duplicated (CTATGACAGACTGACA).
Protein change: p.Arg531delinsLeuTer.
Molecular consequence: nonsense.
Genome position (GRCh38, 1-based): chr5:74,720,709-74,720,724, CTATGACAGACTGACA duplicated. VCF-style (leftmost placement, unchanged base first): chr5-74720708-C-CCTATGACAGACTGACA. GRCh37 (hg19) VCF-style: chr5-74016533-C-CCTATGACAGACTGACA.
Other names: c.900_915dup, p.Arg306delinsLeuTer (NM_001292004.2).
Identifiers: ClinVar variation 557927 (VCV000557927.7), dbSNP rs1554037137, ClinGen allele CA658822013.